The following is an entry in ClinVar:

NM_000059.4(BRCA2):c.7436-6del

Gene: BRCA2 (BRCA2 DNA repair associated; plus strand). Cytogenetic location: 13q13.1.
Variant type: Deletion.
Coding change: c.7436-6del on transcript NM_000059.4 (MANE Select); 6 bases into the intron before coding-DNA position 7436, one base deleted (T; older notation c.7436-6delT).
Molecular consequence: intron variant.
Genome position (GRCh38, 1-based): chr13:32,356,422, T deleted; the last of 3 consecutive T bases (chr13:32,356,420-32,356,422); deleting any one gives the same sequence. VCF-style (leftmost placement, unchanged base first): chr13-32356419-CT-C. GRCh37 (hg19) VCF-style: chr13-32930556-CT-C.
Identifiers: ClinVar variation 1331753 (VCV001331753.3), dbSNP rs2137561621, ClinGen allele CA2573053821.

ClinVar aggregate classification (germline): Conflicting classifications of pathogenicity. Review status: criteria provided, conflicting classifications (1 of 4 stars). 2 submissions from 2 submitters: Uncertain significance (1); Likely benign (1). Last evaluated 2025-08-27.

Conditions:
Hereditary cancer-predisposing syndrome. Also called: Tumor predisposition; Hereditary Cancer Syndrome; Neoplastic Syndromes, Hereditary; Hereditary neoplastic syndrome. Identifiers: Orphanet 140162, MedGen C0027672, MeSH D009386, MONDO:0015356.
Hereditary breast ovarian cancer syndrome. Also called: Hereditary breast and ovarian cancer syndrome; Hereditary breast and ovarian cancer; Hereditary breast and ovarian cancer syndrome (HBOC); Hereditary breast and/or ovarian cancer syndrome; Breast and ovarian cancer; BRCA1- and BRCA2-Associated Hereditary Breast and Ovarian Cancer. Identifiers: Orphanet 145, MedGen C0677776, MeSH D061325, MONDO:0003582. Disease mechanism: loss of function.

Submissions (2):

Labcorp Genetics (formerly Invitae), Labcorp
Classification: Likely benign for Hereditary breast ovarian cancer syndrome. Last evaluated: 2025-08-27. Review status: criteria provided, single submitter. Criteria: Invitae Variant Classification Sherloc (09022015). Collection method: clinical testing. Allele origin: germline.

Color Diagnostics, LLC DBA Color Health
Classification: Uncertain significance for Hereditary cancer-predisposing syndrome. Last evaluated: 2021-07-16. Review status: criteria provided, single submitter. Criteria: ACMG Guidelines, 2015. Collection method: clinical testing. Allele origin: germline.
Comment: This variant causes a 1-basepair deletion in intron 14 of the BRCA2 gene. To our knowledge, functional studies have not been reported for this variant. This variant has not been reported in individuals affected with hereditary cancer in the literature. This variant has not been identified in the general population by the Genome Aggregation Database (gnomAD). The available evidence is insufficient to determine the role of this variant in disease conclusively. Therefore, this variant is classified as a Variant of Uncertain Significance.